The following is an entry in ClinVar:

ClinVar aggregate classification (germline): Conflicting classifications of pathogenicity. Review status: criteria provided, conflicting classifications (1 of 4 stars). 3 submissions from 3 submitters: Uncertain significance (1); Likely benign (2). Last evaluated 2024-11-21.

Conditions:
Inborn genetic diseases. Identifiers: MedGen C0950123, MeSH D030342.
Fanconi anemia (FA). Also called: Fanconi's anemia. Identifiers: Orphanet 84, MedGen C0015625, MeSH D005199, MONDO:0019391.

Allele frequency attached by ClinVar (database versions not stated): gnomAD exomes below 0.00001; gnomAD 0.00001; TOPMed 0.00001.
gnomAD v4.1: 2 of 1,614,032 alleles (0.00012%); highest among the groups gnomAD compares: African/African-American, 0.0027%; no homozygotes.

Submissions (3):

Ambry Genetics
Classification: Likely benign for Inborn genetic diseases. Last evaluated: 2024-11-21. Review status: criteria provided, single submitter. Criteria: Ambry Variant Classification Scheme 2023. Collection method: clinical testing. Allele origin: germline.

Quest Diagnostics Nichols Institute San Juan Capistrano
Classification: Uncertain significance. Last evaluated: 2024-03-28. Review status: criteria provided, single submitter. Criteria: Quest Diagnostics criteria. Collection method: clinical testing. Allele origin: unknown.
Comment: The FANCA c.3736C>T (p.Leu1246=) synonymous variant has not been reported in individuals with FANCA-related conditions in the published literature. It also has not been reported in large, multi-ethnic general populations (Genome Aggregation Database). Analysis of this variant using software algorithms for the prediction of the effect of nucleotide changes on splicing yielded predictions that this variant does not affect FANCA mRNA splicing. Based on the available information, we are unable to determine the clinical significance of this variant.

Labcorp Genetics (formerly Invitae), Labcorp
Classification: Likely benign for Fanconi anemia. Last evaluated: 2022-11-21. Review status: criteria provided, single submitter. Criteria: Invitae Variant Classification Sherloc (09022015). Collection method: clinical testing. Allele origin: germline.

NM_000135.4(FANCA):c.3736C>T (p.Leu1246=)

Gene: FANCA (FA complementation group A; minus strand). Cytogenetic location: 16q24.3.
Variant type: single nucleotide variant.
Coding change: c.3736C>T on transcript NM_000135.4 (MANE Select); coding-DNA position 3736, C replaced by T.
Protein change: p.Leu1246=; no amino-acid change (leucine 1246 retained).
Molecular consequence: synonymous variant.
Genome position (GRCh38, 1-based): chr16:89,742,829, G>A on the plus strand (C>T on the coding strand, the complement: FANCA is on the minus strand). VCF-style: chr16-89742829-G-A. GRCh37 (hg19) VCF-style: chr16-89809237-G-A.
Other names: c.3736C>T, p.Leu1246= (NM_001286167.3); c.3736C>T (NM_000135.2, NM_000135.3).
Identifiers: ClinVar variation 1112453 (VCV001112453.11), dbSNP rs2062169927, ClinGen allele CA497194911.